The following is an entry in ClinVar:

NM_001042492.3(NF1):c.5525A>G (p.His1842Arg)

Gene: NF1 (neurofibromin 1; plus strand). Cytogenetic location: 17q11.2.
Variant type: single nucleotide variant.
Coding change: c.5525A>G on transcript NM_001042492.3 (MANE Select); coding-DNA position 5525, A replaced by G.
Protein change: p.His1842Arg; replaces histidine 1842 with arginine.
Molecular consequence: missense variant.
Genome position (GRCh38, 1-based): chr17:31,327,755, A>G. VCF-style: chr17-31327755-A-G. GRCh37 (hg19) VCF-style: chr17-29654773-A-G.
Other names: c.5462A>G, p.His1821Arg (NM_000267.4); short protein forms H1821R, H1842R.
Identifiers: ClinVar variation 234210 (VCV000234210.4), dbSNP rs876660928, ClinGen allele CA10580351.

ClinVar aggregate classification (germline): Uncertain significance. Review status: criteria provided, multiple submitters, no conflicts (2 of 4 stars). 2 submissions from 2 submitters: Uncertain significance (2). Last evaluated 2024-01-24.

Conditions:
Hereditary cancer-predisposing syndrome. Also called: Neoplastic Syndromes, Hereditary; Tumor predisposition; Hereditary Cancer Syndrome; Hereditary neoplastic syndrome. Identifiers: Orphanet 140162, MedGen C0027672, MeSH D009386, MONDO:0015356.

Submissions (2):

GeneDx
Classification: Uncertain significance. Last evaluated: 2024-01-24. Review status: criteria provided, single submitter. Criteria: GeneDx Variant Classification Process June 2021. Collection method: clinical testing. Allele origin: germline. Affected: yes.
Comment: Not observed at significant frequency in large population cohorts (gnomAD); In silico analysis supports that this missense variant has a deleterious effect on protein structure/function; Has not been previously published as pathogenic or benign to our knowledge

Ambry Genetics
Classification: Uncertain significance for Hereditary cancer-predisposing syndrome. Last evaluated: 2015-10-07. Review status: criteria provided, single submitter. Criteria: Ambry Autosomal Dominant and X-Linked criteria (10/2015). Collection method: clinical testing. Allele origin: germline. Observed: 1 variant allele.
Comment: The p.H1842R variant (also known as c.5525A>G), located in coding exon 38 of the NF1 gene, results from an A to G substitution at nucleotide position 5525. The histidine at codon 1842 is replaced by arginine, an amino acid with highly similar properties. This variant was not reported in population based cohorts in the following databases: Database of Single Nucleotide Polymorphisms (dbSNP), NHLBI Exome Sequencing Project (ESP), and 1000 Genomes Project. In the ESP, this variant was not observed in 6503 samples (13006 alleles) with coverage at this position. To date, this alteration has been detected with an allele frequency of approximately 0.002% (greater than 55000alleles tested) in our clinical cohort.This amino acid position is highly conserved in available vertebrate species. In addition, this alteration is predicted to be deleterious by in silico analysis.Since supporting evidence is limited at this time, the clinical significance of p.H1842Rremains unclear.